The following is an entry in ClinVar:

ClinVar aggregate classification (germline): Pathogenic (1 of 4 stars; one submission).

Conditions:
Tuberous sclerosis 1 (TSC1). Identifiers: Orphanet 805, MedGen C1854465, MONDO:0008612, OMIM 191100.

Submission:

Labcorp Genetics (formerly Invitae), Labcorp
Classification: Pathogenic for Tuberous sclerosis 1. Last evaluated: 2020-08-27. Review status: criteria provided, single submitter. Criteria: Invitae Variant Classification Sherloc (09022015). Collection method: clinical testing. Allele origin: germline.
Comment: For these reasons, this variant has been classified as Pathogenic. Loss-of-function variants in TSC1 are known to be pathogenic (PMID: 10227394, 17304050). This variant has not been reported in the literature in individuals with TSC1-related conditions. This variant is not present in population databases (ExAC no frequency). This sequence change creates a premature translational stop signal (p.Glu626Glyfs*63) in the TSC1 gene. It is expected to result in an absent or disrupted protein product.

Literature cited by the submitters: PubMed 10227394; PubMed 17304050.

NM_000368.5(TSC1):c.1873_1876dup (p.Glu626fs)

Gene: TSC1 (TSC complex subunit 1; minus strand). Cytogenetic location: 9q34.13.
Variant type: Duplication.
Coding change: c.1873_1876dup on transcript NM_000368.5 (MANE Select); coding-DNA positions 1873 to 1876, 4 bases duplicated (GAGG; older notation c.1873_1876dupGAGG).
Protein change: p.Glu626fs; shifts the reading frame from glutamic acid 626.
Molecular consequence: frameshift variant.
Genome position (GRCh38, 1-based): chr9:132,905,702-132,905,705, CCTC duplicated on the plus strand (GAGG on the coding strand, the reverse complement: TSC1 is on the minus strand). VCF-style (leftmost placement, unchanged base first): chr9-132905701-T-TCCTC. GRCh37 (hg19) VCF-style: chr9-135781088-T-TCCTC.
Other names: c.1870_1873dup, p.Glu625fs (NM_001162426.2); c.1720_1723dup, p.Glu575fs (NM_001162427.2); c.1510_1513dup, p.Glu505fs (NM_001362177.2); short protein forms E505fs, E575fs, E625fs, E626fs.
Identifiers: ClinVar variation 1071660 (VCV001071660.7), dbSNP rs2131816800, ClinGen allele CA2499219711.